The following is an entry in ClinVar:

NM_004525.3(LRP2):c.12182A>G (p.Asn4061Ser)

Gene: LRP2 (LDL receptor related protein 2; minus strand). Cytogenetic location: 2q31.1.
Variant type: single nucleotide variant.
Coding change: c.12182A>G on transcript NM_004525.3 (MANE Select); coding-DNA position 12182, A replaced by G.
Protein change: p.Asn4061Ser; replaces asparagine 4061 with serine.
Molecular consequence: missense variant.
Genome position (GRCh38, 1-based): chr2:169,154,573, T>C on the plus strand (A>G on the coding strand, the complement: LRP2 is on the minus strand). VCF-style: chr2-169154573-T-C. GRCh37 (hg19) VCF-style: chr2-170011083-T-C.
Other names: short protein forms N4061S.
Identifiers: ClinVar variation 1381069 (VCV001381069.4), dbSNP rs367679338, ClinGen allele CA1952863.

ClinVar aggregate classification (germline): Uncertain significance. Review status: criteria provided, multiple submitters, no conflicts (2 of 4 stars). 2 submissions from 2 submitters: Uncertain significance (2). Last evaluated 2022-07-04.

Allele frequency attached by ClinVar (database versions not stated): gnomAD 0.00001 and 0.00003; TOPMed 0.00001; gnomAD exomes 0.00002 and 0.00006; ExAC 0.00004.
gnomAD v4.1: 36 of 1,613,474 alleles (0.0022%); highest among the groups gnomAD compares: Admixed American, 0.0033%; no homozygotes.

Submissions (2):

Blueprint Genetics
Classification: Uncertain significance. Last evaluated: 2022-07-04. Review status: criteria provided, single submitter. Criteria: ACMG Guidelines, 2015. Collection method: clinical testing. Allele origin: germline.

Labcorp Genetics (formerly Invitae), Labcorp
Classification: Uncertain significance. Last evaluated: 2021-10-24. Review status: criteria provided, single submitter. Criteria: Invitae Variant Classification Sherloc (09022015). Collection method: clinical testing. Allele origin: germline.
Comment: This sequence change replaces asparagine, which is neutral and polar, with serine, which is neutral and polar, at codon 4061 of the LRP2 protein (p.Asn4061Ser). This variant is present in population databases (rs367679338, gnomAD 0.05%). This variant has not been reported in the literature in individuals affected with LRP2-related conditions. Algorithms developed to predict the effect of missense changes on protein structure and function (SIFT, PolyPhen-2, Align-GVGD) all suggest that this variant is likely to be tolerated. Algorithms developed to predict the effect of sequence changes on RNA splicing suggest that this variant may create or strengthen a splice site. In summary, the available evidence is currently insufficient to determine the role of this variant in disease. Therefore, it has been classified as a Variant of Uncertain Significance.